The following is an entry in ClinVar:

NM_001122961.3(CFAP276):c.28C>A (p.Arg10Ser)

Gene: CFAP276 (cilia and flagella associated protein 276; minus strand). Cytogenetic location: 1p13.3.
Variant type: single nucleotide variant.
Coding change: c.28C>A on transcript NM_001122961.3; coding-DNA position 28, C replaced by A.
Protein change: p.Arg10Ser; replaces arginine 10 with serine.
Molecular consequence: missense variant. On other transcripts: non-coding transcript variant (1).
Genome position (GRCh38, 1-based): chr1:109,113,650, G>T on the plus strand (C>A on the coding strand, the complement: CFAP276 is on the minus strand). VCF-style: chr1-109113650-G-T. GRCh37 (hg19) VCF-style: chr1-109656272-G-T.
Other names: c.28C>A, p.Arg10Ser (NM_001366200.3, NM_001366202.3); short protein forms R10S.
Identifiers: ClinVar variation 2578579 (VCV002578579.23), dbSNP rs1189303970, ClinGen allele CA341488343.

ClinVar aggregate classification (germline): Uncertain significance (1 of 4 stars; one submission).

Allele frequency attached by ClinVar (database versions not stated): TOPMed below 0.00001.
gnomAD v4.1: 8 of 1,613,982 alleles (0.0005%); highest among the groups gnomAD compares: Admixed American, 0.0017%; no homozygotes.

Submission:

CeGaT Center for Human Genetics Tuebingen
Classification: Uncertain significance. Last evaluated: 2023-08-01. Review status: criteria provided, single submitter. Criteria: CeGaT Center For Human Genetics Tuebingen Variant Classification Criteria Version 2. Collection method: clinical testing. Allele origin: germline. Affected: yes. Observed: 1 variant allele.
Comment: CFAP276: PM2, BP4